The following is an entry in ClinVar:

NM_020458.4(TTC7A):c.1817A>G (p.Lys606Arg)

Gene: TTC7A (tetratricopeptide repeat domain 7A; plus strand). Cytogenetic location: 2p21.
Variant type: single nucleotide variant.
Coding change: c.1817A>G on transcript NM_020458.4 (MANE Select); coding-DNA position 1817, A replaced by G.
Protein change: p.Lys606Arg; replaces lysine 606 with arginine.
Molecular consequence: missense variant.
Genome position (GRCh38, 1-based): chr2:47,046,329, A>G. VCF-style: chr2-47046329-A-G. GRCh37 (hg19) VCF-style: chr2-47273468-A-G.
Other names: c.1817A>G, p.Lys606Arg (LRG_1323t1, NM_001288951.2); c.1715A>G, p.Lys572Arg (NM_001288953.2); c.755A>G, p.Lys252Arg (NM_001288955.2); short protein forms K606R, K572R, K252R.
Identifiers: ClinVar variation 242606 (VCV000242606.60), dbSNP rs139010200, ClinGen allele CA060659.

ClinVar aggregate classification (germline): Conflicting classifications of pathogenicity. Review status: criteria provided, conflicting classifications (1 of 4 stars). 9 submissions from 9 submitters: Uncertain significance (6); Likely benign (2). 1 of the submissions does not count toward it. Last evaluated 2026-05-04.

Conditions:
TTC7A-related disorder. Also called: TTC7A-related condition.
Gastrointestinal defects and immunodeficiency syndrome 1 (GIDID1). Also called: Combined immunodeficiency-enteropathy spectrum. Identifiers: Orphanet 436252, MedGen C5968858, MONDO:0800030, OMIM 243150.
Multiple gastrointestinal atresias. Also called: FAMILIAL INTESTINAL POLYATRESIA SYNDROME; Multiple intestinal atresia. Identifiers: Orphanet 2300, MedGen C0220744, MONDO:0009465.

Allele frequency attached by ClinVar (database versions not stated): 1000 Genomes Project 30x 0.00062; 1000 Genomes Project 0.00080; TOPMed 0.00198; ExAC 0.00206; gnomAD 0.00210 and 0.00216; ESP Exome Variant Server 0.00308.
gnomAD v4.1: 4,816 of 1,613,908 alleles (0.3%); highest among the groups gnomAD compares: Non-Finnish European, 0.35%; 11 homozygotes.

Submissions (9):

GeneDx
Classification: Uncertain significance. Last evaluated: 2026-05-04. Review status: criteria provided, single submitter. Criteria: GeneDx Variant Classification Process June 2021. Collection method: clinical testing. Allele origin: germline.
Comment: Observed with the p.(S672P) variant in multiple cases; in cases where phase was determined, it has been observed on the same allele (in cis) with p.(S672P) in one individual with combined immunodeficiency with multiple intestinal atresias who harbored another TTC7A variant on the opposite allele (in trans), and has also been observed on the opposite allele (in trans) with p.(S672P) in an individual with common variable immunodeficiency (PMID: 28930861, 40387305, 23830146, 28808844); In silico analysis supports that this missense variant has a deleterious effect on protein structure/function; This variant is associated with the following publications: (PMID: 28930861, 30443250, 28808844, 27418642, 34426522, 23830146, Culbreath2022[Case_Report], 31814065, 39675053, 40387305)

Labcorp Genetics (formerly Invitae), Labcorp
Classification: Likely benign for Multiple gastrointestinal atresias. Last evaluated: 2026-02-04. Review status: criteria provided, single submitter. Criteria: Invitae Variant Classification Sherloc (09022015). Collection method: clinical testing. Allele origin: germline.

CeGaT Center for Human Genetics Tuebingen
Classification: Likely benign. Last evaluated: 2024-12-01. Review status: criteria provided, single submitter. Criteria: CeGaT Center For Human Genetics Tuebingen Variant Classification Criteria Version 2. Collection method: clinical testing. Allele origin: germline. Affected: yes. Observed: 4 variant alleles.
Comment: TTC7A: BS2

Blueprint Genetics
Classification: Uncertain significance. Last evaluated: 2024-11-22. Review status: criteria provided, single submitter. Criteria: ACMG Guidelines, 2015. Collection method: clinical testing. Allele origin: germline.

Institute of Human Genetics, University of Leipzig Medical Center
Classification: Uncertain significance for Gastrointestinal defects and immunodeficiency syndrome 1. Last evaluated: 2023-04-11. Review status: criteria provided, single submitter. Criteria: ACMG Guidelines, 2015. Collection method: clinical testing. Allele origin: unknown. Affected: yes.
Comment: Criteria applied: PS4_MOD, PS3_SUP, PP3

Greenwood Genetic Center Diagnostic Laboratories, Greenwood Genetic Center
Classification: Uncertain significance. Last evaluated: 2022-09-21. Review status: criteria provided, single submitter. Criteria: ACMG Guidelines, 2015. Collection method: clinical testing. Allele origin: germline. Affected: yes.
Comment: PM3_Supporting, BS1

Women's Health and Genetics/Laboratory Corporation of America, LabCorp
Classification: Uncertain significance. Last evaluated: 2020-12-13. Review status: criteria provided, single submitter. Criteria: LabCorp Variant Classification Summary - May 2015. Collection method: clinical testing. Allele origin: germline.
Comment: Variant summary: TTC7A c.1817A>G (p.Lys606Arg) results in a conservative amino acid change in the encoded protein sequence. Three of five in-silico tools predict a damaging effect of the variant on protein function. The variant allele was found at a frequency of 0.0021 in 251304 control chromosomes in the gnomAD database, including 3 homozygotes. The observed variant frequency is approximately 6-fold the estimated maximal expected allele frequency for a pathogenic variant in TTC7A causing Severe Combined Immunodeficiency Syndrome phenotype (0.00035), suggesting that the variant is benign. c.1817A>G has been reported in the literature in cis with c.2014T>C, p.Ser672Pro in at least one individual affected with Combined Immunodeficiency with Multiple Intestinal Atresias (CID-MIA), who had a likely pathogenic variant (c.1000DelAAGT) in compound heterozygosity (e.g. Chen_2013). The variant has also been detected in several patients with early-onset inflammatory bowel disease (EOIBD) or inflammatory bowel disease (IBD), often occurring along with c.2014T>C, p.Ser672Pro (e.g. Kammermeier_2016, Petersen_2017, Ashton, 2020). In some cases, the variants were indicated to have been inherited as a complex allele, while in others, the phase was not reported. However, these two variants were also reported in trans in at least one individual affected by a mild form of Combined Variable Immunodeficiency Syndrome (CVID), suggesting that the variants could possibly be associated with a mild form of disease when found on separate alleles (e.g. Lawless_2017). The c.1817A>G and c.2014T>C variants were also reported in compound heterozygosity in an individual evaluated for IPEX (Immune Dysregulation, Polyendocrinopathy, Ebteropathy, X-Linked) Syndrome (e.g. Gambineri_2018). These findings do not provide unequivocal evidence for association of the variant with Severe Combined Immunodeficiency Syndrome. To the best of our knowledge, no experimental studies evaluating an impact on protein function have been reported. Two other clinical diagnostic laboratories have submitted clinical-significance assessments for this variant to ClinVar after 2014 without evidence for independent evaluation. One laboratory cited the variant as likely benign, and one laboratory cited the variant as uncertain significance. Based on the evidence outlined above, the variant was classified as VUS-possibly benign.

Center for Pediatric Genomic Medicine, Children's Mercy Hospital and Clinics
Classification: Uncertain significance. Last evaluated: 2016-10-25. Review status: criteria provided, single submitter. Criteria: ACMG Guidelines, 2015. Collection method: clinical testing. Allele origin: germline.
ClinVar note: Converted during submission from Uncertain Significance to Uncertain significance.

PreventionGenetics, part of Exact Sciences
Classification: Likely benign for TTC7A-related condition. Last evaluated: 2019-09-04. Review status: no assertion criteria provided. Collection method: clinical testing. Allele origin: germline. Not counted in ClinVar's aggregate classification.
Comment: This variant is classified as likely benign based on ACMG/AMP sequence variant interpretation guidelines (Richards et al. 2015 PMID: 25741868, with internal and published modifications).

Literature cited by the submitters: PubMed 24448499 (cited by Women's Health and Genetics/Laboratory Corporation of America, LabCorp); PubMed 31814065 (cited by Women's Health and Genetics/Laboratory Corporation of America, LabCorp); PubMed 23830146 (cited by Women's Health and Genetics/Laboratory Corporation of America, LabCorp); PubMed 30443250 (cited by Women's Health and Genetics/Laboratory Corporation of America, LabCorp); PubMed 27418642 (cited by Women's Health and Genetics/Laboratory Corporation of America, LabCorp); PubMed 28808844 (cited by Women's Health and Genetics/Laboratory Corporation of America, LabCorp); PubMed 28936210 (cited by Women's Health and Genetics/Laboratory Corporation of America, LabCorp); PubMed 28930861 (cited by Women's Health and Genetics/Laboratory Corporation of America, LabCorp); PubMed 25534311 (cited by Women's Health and Genetics/Laboratory Corporation of America, LabCorp).